The following is an entry in ClinVar:

ClinVar aggregate classification (germline): Uncertain significance (1 of 4 stars; one submission).

Conditions:
RASopathy. Also called: Noonan spectrum disorder; rasopathies. Identifiers: Orphanet 536391, MedGen C5555857, MONDO:0021060.

Allele frequency attached by ClinVar (database versions not stated): gnomAD exomes 0.00001; TOPMed 0.00001.
gnomAD v4.1: 9 of 1,614,026 alleles (0.00056%); highest among the groups gnomAD compares: Non-Finnish European, 0.00076%; no homozygotes.

Submission:

Labcorp Genetics (formerly Invitae), Labcorp
Classification: Uncertain significance for RASopathy. Last evaluated: 2022-01-17. Review status: criteria provided, single submitter. Criteria: Invitae Variant Classification Sherloc (09022015). Collection method: clinical testing. Allele origin: germline.
Comment: In summary, the available evidence is currently insufficient to determine the role of this variant in disease. Therefore, it has been classified as a Variant of Uncertain Significance. Algorithms developed to predict the effect of sequence changes on RNA splicing suggest that this variant may create or strengthen a splice site. Algorithms developed to predict the effect of missense changes on protein structure and function output the following: SIFT: "Tolerated"; PolyPhen-2: "Benign"; Align-GVGD: "Class C0". The aspartic acid amino acid residue is found in multiple mammalian species, which suggests that this missense change does not adversely affect protein function. This variant has not been reported in the literature in individuals affected with CBL-related conditions. This variant is not present in population databases (gnomAD no frequency). This sequence change replaces asparagine, which is neutral and polar, with aspartic acid, which is acidic and polar, at codon 812 of the CBL protein (p.Asn812Asp).

NM_005188.4(CBL):c.2434A>G (p.Asn812Asp)

Gene: CBL (Cbl proto-oncogene; plus strand). Cytogenetic location: 11q23.3.
Variant type: single nucleotide variant.
Coding change: c.2434A>G on transcript NM_005188.4 (MANE Select); coding-DNA position 2434, A replaced by G.
Protein change: p.Asn812Asp; replaces asparagine 812 with aspartic acid.
Molecular consequence: missense variant.
Genome position (GRCh38, 1-based): chr11:119,298,540, A>G. VCF-style: chr11-119298540-A-G. GRCh37 (hg19) VCF-style: chr11-119169250-A-G.
Other names: short protein forms N812D.
Identifiers: ClinVar variation 1471662 (VCV001471662.8), dbSNP rs907398440, ClinGen allele CA229650977.